The following is an entry in ClinVar:

ClinVar aggregate classification (germline): Conflicting classifications of pathogenicity. Review status: criteria provided, conflicting classifications (1 of 4 stars). 2 submissions from 2 submitters: Uncertain significance (1); Likely benign (1). Last evaluated 2025-05-24.

Conditions:
Cardiovascular phenotype. Identifiers: MedGen CN230736.
Long QT syndrome (LQTS). Identifiers: MedGen C0023976, MeSH D008133, MONDO:0002442. Disease mechanism: loss of function. Inheritance: Various modes of inheritance.

Allele frequency attached by ClinVar (database versions not stated): gnomAD 0.00003 and 0.00004; TOPMed 0.00003; ESP Exome Variant Server 0.00008; gnomAD exomes 0.00012; ExAC 0.00024.
gnomAD v4.1: 81 of 1,613,140 alleles (0.005%); highest among the groups gnomAD compares: Non-Finnish European, 0.0052%; no homozygotes.

Submissions (2):

Ambry Genetics
Classification: Likely benign for Cardiovascular phenotype. Last evaluated: 2025-05-24. Review status: criteria provided, single submitter. Criteria: Ambry Variant Classification Scheme 2023. Collection method: clinical testing. Allele origin: germline.

Labcorp Genetics (formerly Invitae), Labcorp
Classification: Uncertain significance for Long QT syndrome. Last evaluated: 2023-10-06. Review status: criteria provided, single submitter. Criteria: Invitae Variant Classification Sherloc (09022015). Collection method: clinical testing. Allele origin: germline.
Comment: This sequence change replaces threonine, which is neutral and polar, with serine, which is neutral and polar, at codon 1890 of the AKAP9 protein (p.Thr1890Ser). This variant is present in population databases (rs201558875, gnomAD 0.02%). This variant has not been reported in the literature in individuals affected with AKAP9-related conditions. ClinVar contains an entry for this variant (Variation ID: 578325). An algorithm developed to predict the effect of missense changes on protein structure and function (PolyPhen-2) suggests that this variant is likely to be disruptive. In summary, the available evidence is currently insufficient to determine the role of this variant in disease. Therefore, it has been classified as a Variant of Uncertain Significance.

NM_005751.5(AKAP9):c.5668A>T (p.Thr1890Ser)

Gene: AKAP9 (A-kinase anchoring protein 9; plus strand). Cytogenetic location: 7q21.2.
Variant type: single nucleotide variant.
Coding change: c.5668A>T on transcript NM_005751.5 (MANE Select); coding-DNA position 5668, A replaced by T.
Protein change: p.Thr1890Ser; replaces threonine 1890 with serine.
Molecular consequence: missense variant.
Genome position (GRCh38, 1-based): chr7:92,061,326, A>T. VCF-style: chr7-92061326-A-T. GRCh37 (hg19) VCF-style: chr7-91690640-A-T.
Other names: c.313A>T, p.Thr105Ser (NM_001379277.1); c.5668A>T, p.Thr1890Ser (NM_147185.3); short protein forms T1890S, T105S.
Identifiers: ClinVar variation 578325 (VCV000578325.12), dbSNP rs201558875, ClinGen allele CA4336890.